The following is an entry in ClinVar:

NM_001369369.1(FOXN1):c.952T>C (p.Ser318Pro)

Gene: FOXN1 (forkhead box N1; plus strand). Cytogenetic location: 17q11.2.
Variant type: single nucleotide variant.
Coding change: c.952T>C on transcript NM_001369369.1 (MANE Select); coding-DNA position 952, T replaced by C.
Protein change: p.Ser318Pro; replaces serine 318 with proline.
Molecular consequence: missense variant.
Genome position (GRCh38, 1-based): chr17:28,534,355, T>C. VCF-style: chr17-28534355-T-C. GRCh37 (hg19) VCF-style: chr17-26861373-T-C.
Other names: c.952T>C, p.Ser318Pro (NM_003593.3); short protein forms S318P.
Identifiers: ClinVar variation 2833285 (VCV002833285.3), dbSNP rs2508422472, ClinGen allele CA398324472.

ClinVar aggregate classification (germline): Uncertain significance (1 of 4 stars; one submission).

Conditions:
T-cell immunodeficiency, congenital alopecia, and nail dystrophy. Also called: Congenital alopecia and nail dystrophy associated with severe functional T-cell immunodeficiency; Pignata Guarino syndrome. Identifiers: Orphanet 169095, MedGen C1866426, MONDO:0011132, OMIM 601705.

Submission:

Labcorp Genetics (formerly Invitae), Labcorp
Classification: Uncertain significance for T-cell immunodeficiency, congenital alopecia, and nail dystrophy. Last evaluated: 2023-01-31. Review status: criteria provided, single submitter. Criteria: Invitae Variant Classification Sherloc (09022015). Collection method: clinical testing. Allele origin: germline.
Comment: This variant has not been reported in the literature in individuals affected with FOXN1-related conditions. This variant is not present in population databases (gnomAD no frequency). This sequence change replaces serine, which is neutral and polar, with proline, which is neutral and non-polar, at codon 318 of the FOXN1 protein (p.Ser318Pro). In summary, the available evidence is currently insufficient to determine the role of this variant in disease. Therefore, it has been classified as a Variant of Uncertain Significance. Algorithms developed to predict the effect of missense changes on protein structure and function (SIFT, PolyPhen-2, Align-GVGD) all suggest that this variant is likely to be disruptive.